The following is an entry in ClinVar:

ClinVar aggregate classification (germline): Uncertain significance (1 of 4 stars; one submission).

Conditions:
Deficiency of isobutyryl-CoA dehydrogenase. Also called: ACYL-CoA DEHYDROGENASE FAMILY, MEMBER 8, DEFICIENCY OF; IBD DEFICIENCY; ACAD8 DEFICIENCY. Identifiers: Orphanet 79159, MedGen C1969809, MONDO:0012648, OMIM 611283.

gnomAD v4.1: 71 of 1,614,090 alleles (0.0044%); highest among the groups gnomAD compares: Non-Finnish European, 0.0058%; no homozygotes.

Submission:

Labcorp Genetics (formerly Invitae), Labcorp
Classification: Uncertain significance for Deficiency of isobutyryl-CoA dehydrogenase. Last evaluated: 2025-01-29. Review status: criteria provided, single submitter. Criteria: Invitae Variant Classification Sherloc (09022015). Collection method: clinical testing. Allele origin: germline.
Comment: This sequence change replaces leucine, which is neutral and non-polar, with phenylalanine, which is neutral and non-polar, at codon 299 of the ACAD8 protein (p.Leu299Phe). The frequency data for this variant in the population databases is considered unreliable, as metrics indicate poor data quality at this position in the gnomAD database. This variant has not been reported in the literature in individuals affected with ACAD8-related conditions. Invitae Evidence Modeling of protein sequence and biophysical properties (such as structural, functional, and spatial information, amino acid conservation, physicochemical variation, residue mobility, and thermodynamic stability) has been performed for this missense variant. However, the output from this modeling did not meet the statistical confidence thresholds required to predict the impact of this variant on ACAD8 protein function. In summary, the available evidence is currently insufficient to determine the role of this variant in disease. Therefore, it has been classified as a Variant of Uncertain Significance.

NM_014384.3(ACAD8):c.895C>T (p.Leu299Phe)

Gene: ACAD8 (acyl-CoA dehydrogenase family member 8; plus strand). Cytogenetic location: 11q25.
Variant type: single nucleotide variant.
Coding change: c.895C>T on transcript NM_014384.3 (MANE Select); coding-DNA position 895, C replaced by T.
Protein change: p.Leu299Phe; replaces leucine 299 with phenylalanine.
Molecular consequence: missense variant.
Genome position (GRCh38, 1-based): chr11:134,261,328, C>T. VCF-style: chr11-134261328-C-T. GRCh37 (hg19) VCF-style: chr11-134131222-C-T.
Other names: short protein forms L299F.
Identifiers: ClinVar variation 3696823 (VCV003696823.2).